The following is an entry in ClinVar:

ClinVar aggregate classification (germline): Uncertain significance (1 of 4 stars; one submission).

Conditions:
Hereditary cancer-predisposing syndrome. Also called: Neoplastic Syndromes, Hereditary; Hereditary Cancer Syndrome; Tumor predisposition; Hereditary neoplastic syndrome. Identifiers: Orphanet 140162, MedGen C0027672, MeSH D009386, MONDO:0015356.

Submission:

Ambry Genetics
Classification: Uncertain significance for Hereditary cancer-predisposing syndrome. Last evaluated: 2022-12-18. Review status: criteria provided, single submitter. Criteria: Ambry Variant Classification Scheme 2023. Collection method: clinical testing. Allele origin: germline.
Comment: The p.A266T variant (also known as c.796G>A), located in coding exon 3 of the PHOX2B gene, results from a G to A substitution at nucleotide position 796. The alanine at codon 266 is replaced by threonine, an amino acid with similar properties. This amino acid position is conserved. In addition, this alteration is predicted to be tolerated by in silico analysis. Since supporting evidence is limited at this time, the clinical significance of this alteration remains unclear.

NM_003924.4(PHOX2B):c.796G>A (p.Ala266Thr)

Gene: PHOX2B (paired like homeobox 2B; minus strand). Cytogenetic location: 4p13.
Variant type: single nucleotide variant.
Coding change: c.796G>A on transcript NM_003924.4 (MANE Select); coding-DNA position 796, G replaced by A.
Protein change: p.Ala266Thr; replaces alanine 266 with threonine.
Molecular consequence: missense variant.
Genome position (GRCh38, 1-based): chr4:41,745,956, C>T on the plus strand (G>A on the coding strand, the complement: PHOX2B is on the minus strand). VCF-style: chr4-41745956-C-T. GRCh37 (hg19) VCF-style: chr4-41747973-C-T.
Other names: short protein forms A266T.
Identifiers: ClinVar variation 2448120 (VCV002448120.2), dbSNP rs1260084723, ClinGen allele CA356737123.